The following is an entry in ClinVar:

ClinVar aggregate classification (germline): Uncertain significance (1 of 4 stars; one submission).

Conditions:
Glycogen storage disease IXd (GSD9D). Also called: Muscle Phosphorylase Kinase Deficiency; GSD IXd. Identifiers: Orphanet 715, MedGen C1845151, MONDO:0010362, OMIM 300559.

Allele frequency attached by ClinVar (database versions not stated): TOPMed below 0.00001; ExAC 0.00001; gnomAD 0.00001.
gnomAD v4.1: 9 of 1,195,313 alleles (0.00075%); highest among the groups gnomAD compares: African/African-American, 0.0018%; no homozygotes.

Submission:

Labcorp Genetics (formerly Invitae), Labcorp
Classification: Uncertain significance for Glycogen storage disease IXd. Last evaluated: 2024-07-19. Review status: criteria provided, single submitter. Criteria: Invitae Variant Classification Sherloc (09022015). Collection method: clinical testing. Allele origin: germline.
Comment: This sequence change replaces isoleucine, which is neutral and non-polar, with valine, which is neutral and non-polar, at codon 867 of the PHKA1 protein (p.Ile867Val). The frequency data for this variant in the population databases is considered unreliable, as metrics indicate poor data quality at this position in the gnomAD database. This variant has not been reported in the literature in individuals affected with PHKA1-related conditions. Advanced modeling of protein sequence and biophysical properties (such as structural, functional, and spatial information, amino acid conservation, physicochemical variation, residue mobility, and thermodynamic stability) performed at Invitae indicates that this missense variant is expected to disrupt PHKA1 protein function with a positive predictive value of 80%. In summary, the available evidence is currently insufficient to determine the role of this variant in disease. Therefore, it has been classified as a Variant of Uncertain Significance.

NM_002637.4(PHKA1):c.2599A>G (p.Ile867Val)

Gene: PHKA1 (phosphorylase kinase regulatory subunit alpha 1; minus strand). Cytogenetic location: Xq13.1.
Variant type: single nucleotide variant.
Coding change: c.2599A>G on transcript NM_002637.4 (MANE Select); coding-DNA position 2599, A replaced by G.
Protein change: p.Ile867Val; replaces isoleucine 867 with valine.
Molecular consequence: missense variant.
Genome position (GRCh38, 1-based): chrX:72,609,631, T>C on the plus strand (A>G on the coding strand, the complement: PHKA1 is on the minus strand). VCF-style: chrX-72609631-T-C. GRCh37 (hg19) VCF-style: chrX-71829481-T-C.
Other names: c.2599A>G, p.Ile867Val (NM_001122670.2); c.2422A>G, p.Ile808Val (NM_001172436.2); short protein forms I808V, I867V.
Identifiers: ClinVar variation 2730387 (VCV002730387.3), dbSNP rs782193741, ClinGen allele CA10450656.